The following is an entry in ClinVar:

NM_001123385.2(BCOR):c.4571A>G (p.Asn1524Ser)

Gene: BCOR (BCL6 corepressor; minus strand). Cytogenetic location: Xp11.4.
Variant type: single nucleotide variant.
Coding change: c.4571A>G on transcript NM_001123385.2 (MANE Select); coding-DNA position 4571, A replaced by G.
Protein change: p.Asn1524Ser; replaces asparagine 1524 with serine.
Molecular consequence: missense variant.
Genome position (GRCh38, 1-based): chrX:40,057,179, T>C on the plus strand (A>G on the coding strand, the complement: BCOR is on the minus strand). VCF-style: chrX-40057179-T-C. GRCh37 (hg19) VCF-style: chrX-39916432-T-C.
Other names: c.4469A>G, p.Asn1490Ser (NM_001123383.2, NM_017745.6); c.4415A>G, p.Asn1472Ser (NM_001123384.2); short protein forms N1524S, N1490S, N1472S.
Identifiers: ClinVar variation 3687363 (VCV003687363.2).

ClinVar aggregate classification (germline): Uncertain significance (1 of 4 stars; one submission).

Conditions:
Oculofaciocardiodental syndrome (MCOPS2). Identifiers: Orphanet 2712, MedGen C1846265, MONDO:0010261, OMIM 300166.

Submission:

Labcorp Genetics (formerly Invitae), Labcorp
Classification: Uncertain significance for Oculofaciocardiodental syndrome. Last evaluated: 2024-03-28. Review status: criteria provided, single submitter. Criteria: Invitae Variant Classification Sherloc (09022015). Collection method: clinical testing. Allele origin: germline.
Comment: This sequence change replaces asparagine, which is neutral and polar, with serine, which is neutral and polar, at codon 1490 of the BCOR protein (p.Asn1490Ser). This variant is not present in population databases (gnomAD no frequency). This variant has not been reported in the literature in individuals affected with BCOR-related conditions. Advanced modeling of protein sequence and biophysical properties (such as structural, functional, and spatial information, amino acid conservation, physicochemical variation, residue mobility, and thermodynamic stability) has been performed at Invitae for this missense variant, however the output from this modeling did not meet the statistical confidence thresholds required to predict the impact of this variant on BCOR protein function. In summary, the available evidence is currently insufficient to determine the role of this variant in disease. Therefore, it has been classified as a Variant of Uncertain Significance.